The following is an entry in ClinVar:

ClinVar aggregate classification (germline): Uncertain significance. Review status: criteria provided, multiple submitters, no conflicts (2 of 4 stars). 2 submissions from 2 submitters: Uncertain significance (2). Last evaluated 2022-08-30.

Conditions:
Dextro-looped transposition of the great arteries. Also called: Dextrotransposition of the great arteries. Identifiers: Orphanet 860, MedGen C3531771, MONDO:0019443, OMIM 608808, HP:0031348.

Submissions (2):

Greenwood Genetic Center Diagnostic Laboratories, Greenwood Genetic Center
Classification: Uncertain significance. Last evaluated: 2022-08-30. Review status: criteria provided, single submitter. Criteria: ACMG Guidelines, 2015. Collection method: clinical testing. Allele origin: germline. Affected: yes.
Comment: PM2 PP2

Labcorp Genetics (formerly Invitae), Labcorp
Classification: Uncertain significance for Dextro-looped transposition of the great arteries. Last evaluated: 2022-05-12. Review status: criteria provided, single submitter. Criteria: Invitae Variant Classification Sherloc (09022015). Collection method: clinical testing. Allele origin: germline.
Comment: In summary, the available evidence is currently insufficient to determine the role of this variant in disease. Therefore, it has been classified as a Variant of Uncertain Significance. This sequence change replaces glutamic acid, which is acidic and polar, with lysine, which is basic and polar, at codon 1220 of the MED13L protein (p.Glu1220Lys). This variant is not present in population databases (gnomAD no frequency). This variant has not been reported in the literature in individuals affected with MED13L-related conditions. Advanced modeling of protein sequence and biophysical properties (such as structural, functional, and spatial information, amino acid conservation, physicochemical variation, residue mobility, and thermodynamic stability) performed at Invitae indicates that this missense variant is not expected to disrupt MED13L protein function.

NM_015335.5(MED13L):c.3658G>A (p.Glu1220Lys)

Gene: MED13L (mediator complex subunit 13L; minus strand). Cytogenetic location: 12q24.21.
Variant type: single nucleotide variant.
Coding change: c.3658G>A on transcript NM_015335.5 (MANE Select); coding-DNA position 3658, G replaced by A.
Protein change: p.Glu1220Lys; replaces glutamic acid 1220 with lysine.
Molecular consequence: missense variant.
Genome position (GRCh38, 1-based): chr12:115,991,296, C>T on the plus strand (G>A on the coding strand, the complement: MED13L is on the minus strand). VCF-style: chr12-115991296-C-T. GRCh37 (hg19) VCF-style: chr12-116429101-C-T.
Other names: short protein forms E1220K.
Identifiers: ClinVar variation 1710384 (VCV001710384.11), dbSNP rs867266643, ClinGen allele CA386887000.